The following is an entry in ClinVar:

NM_000465.4(BARD1):c.1598del (p.Tyr533fs)

Gene: BARD1 (BRCA1 associated RING domain 1; minus strand). Cytogenetic location: 2q35.
Variant type: Deletion.
Coding change: c.1598del on transcript NM_000465.4 (MANE Select); coding-DNA position 1598, one base deleted (A; older notation c.1598delA).
Protein change: p.Tyr533fs; shifts the reading frame from tyrosine 533.
Molecular consequence: frameshift variant. On other transcripts: non-coding transcript variant (3), intron variant (1).
Genome position (GRCh38, 1-based): chr2:214,752,526, T deleted on the plus strand (A on the coding strand, the reverse complement: BARD1 is on the minus strand). VCF-style (leftmost placement, unchanged base first): chr2-214752525-AT-A. GRCh37 (hg19) VCF-style: chr2-215617249-AT-A.
Other names: c.1541del, p.Tyr514fs (NM_001282543.2); c.245del, p.Tyr82fs (NM_001282545.2); c.188del, p.Tyr63fs (NM_001282548.2); c.365-22018del (NM_001282549.2); short protein forms Y514fs, Y533fs, Y63fs, Y82fs.
Identifiers: ClinVar variation 2584310 (VCV002584310.2), dbSNP rs2469378852, ClinGen allele CA2582342072.

ClinVar aggregate classification (germline): Pathogenic (1 of 4 stars; one submission).

Conditions:
Familial cancer of breast. Also called: BREAST CANCER, FAMILIAL; hereditary breast carcinoma; Hereditary breast cancer. Identifiers: Orphanet 227535, MedGen C0346153, MONDO:0016419, OMIM 114480. Disease mechanism: loss of function.

Submission:

Myriad Genetics, Inc.
Classification: Pathogenic for Familial cancer of breast. Last evaluated: 2023-05-23. Review status: criteria provided, single submitter. Criteria: Myriad Autosomal Dominant, Autosomal Recessive and X-Linked Classification Criteria (2023). Collection method: clinical testing. Allele origin: unknown.
Comment: This variant is considered pathogenic. This variant creates a frameshift predicted to result in premature protein truncation.